The following is an entry in ClinVar:

NM_000186.4(CFH):c.3134-2A>G

Gene: CFH (complement factor H; plus strand). Cytogenetic location: 1q31.3.
Variant type: single nucleotide variant.
Coding change: c.3134-2A>G on transcript NM_000186.4 (MANE Select); the canonical splice acceptor site of the intron before coding-DNA position 3134, A replaced by G.
Molecular consequence: splice acceptor variant.
Genome position (GRCh38, 1-based): chr1:196,743,450, A>G. VCF-style: chr1-196743450-A-G. GRCh37 (hg19) VCF-style: chr1-196712580-A-G.
Identifiers: ClinVar variation 829824 (VCV000829824.3), dbSNP rs1300996807, ClinGen allele CA343982709.

ClinVar aggregate classification (germline): Pathogenic, low penetrance. Review status: criteria provided, single submitter (1 of 4 stars). 2 submissions from 2 submitters: Pathogenic, low penetrance (1). 1 of the submissions does not count toward it. Last evaluated 2025-10-02.

Conditions:
Hemolytic uremic syndrome, atypical, susceptibility to, 1. Also called: AHUS, SUSCEPTIBILITY TO, 1. Identifiers: Orphanet 2134, Orphanet 90038, MedGen C2749604, MONDO:0009335, OMIM 235400. Disease mechanism: Other.
Atypical hemolytic-uremic syndrome. Identifiers: Orphanet 2134, MedGen C2931788, MONDO:0016244.

Submissions (2):

Genomenon, Inc
Classification: Pathogenic, low penetrance for Atypical hemolytic-uremic syndrome. Last evaluated: 2025-10-02. Review status: criteria provided, single submitter. Criteria: Genomenon Sequence Variant Interpretation Standards - Updated. Collection method: curation. Allele origin: germline. Affected: yes.
Comment: CFH c.3134-2A>G is a canonical splice variant located in the acceptor splice region of intron 19. It is predicted to affect mRNA splicing, leading to a deleterious effect on the CFH protein. This variant has been observed in at least one proband affected with atypical hemolytic-uremic syndrome (PMID:31156713). It is absent or not present at a significant frequency in gnomAD. In conclusion, we classify CFH c.3134-2A>G as a pathogenic, low penetrance variant.

Bioscientia Institut fuer Medizinische Diagnostik GmbH, Sonic Healthcare
Classification: Pathogenic for Hemolytic uremic syndrome, atypical, susceptibility to, 1. Last evaluated: 2019-04-04. Review status: no assertion criteria provided. Collection method: clinical testing. Allele origin: germline. Affected: yes. Not counted in ClinVar's aggregate classification.

Literature cited by the submitters: PubMed 31156713 (cited by Genomenon, Inc).